The following is an entry in ClinVar:

NM_000059.4(BRCA2):c.6154T>A (p.Ser2052Thr)

Gene: BRCA2 (BRCA2 DNA repair associated; plus strand). Cytogenetic location: 13q13.1.
Variant type: single nucleotide variant.
Coding change: c.6154T>A on transcript NM_000059.4 (MANE Select); coding-DNA position 6154, T replaced by A.
Protein change: p.Ser2052Thr; replaces serine 2052 with threonine.
Molecular consequence: missense variant.
Genome position (GRCh38, 1-based): chr13:32,340,509, T>A. VCF-style: chr13-32340509-T-A. GRCh37 (hg19) VCF-style: chr13-32914646-T-A.
Other names: short protein forms S2052T.
Identifiers: ClinVar variation 1404620 (VCV001404620.9), dbSNP rs1566234040, ClinGen allele CA387788298.

ClinVar aggregate classification (germline): Conflicting classifications of pathogenicity. Review status: criteria provided, conflicting classifications (1 of 4 stars). 2 submissions from 2 submitters: Uncertain significance (1); Likely benign (1). Last evaluated 2023-03-23.

Conditions:
Hereditary breast ovarian cancer syndrome. Also called: Hereditary breast and ovarian cancer syndrome; BRCA1- and BRCA2-Associated Hereditary Breast and Ovarian Cancer; Breast and ovarian cancer; Hereditary breast and/or ovarian cancer syndrome; Hereditary breast and ovarian cancer syndrome (HBOC); Hereditary breast and ovarian cancer. Identifiers: Orphanet 145, MedGen C0677776, MeSH D061325, MONDO:0003582. Disease mechanism: loss of function.
Hereditary cancer-predisposing syndrome. Also called: Hereditary neoplastic syndrome; Hereditary Cancer Syndrome; Neoplastic Syndromes, Hereditary; Tumor predisposition. Identifiers: Orphanet 140162, MedGen C0027672, MeSH D009386, MONDO:0015356.

Submissions (2):

University of Washington Department of Laboratory Medicine, University of Washington
Classification: Likely benign for Hereditary cancer-predisposing syndrome. Last evaluated: 2023-03-23. Review status: criteria provided, single submitter. Criteria: Dines et al. (Genet Med. 2020). Collection method: curation. Allele origin: germline.
Comment: Missense variant in a coldspot region where missense variants are very unlikely to be pathogenic (PMID:31911673).

BRCA2 exon 11 coldspot. Reclassification based on statistical prior probability.

Labcorp Genetics (formerly Invitae), Labcorp
Classification: Uncertain significance for Hereditary breast ovarian cancer syndrome. Last evaluated: 2021-01-20. Review status: criteria provided, single submitter. Criteria: Invitae Variant Classification Sherloc (09022015). Collection method: clinical testing. Allele origin: germline.
Comment: In summary, the available evidence is currently insufficient to determine the role of this variant in disease. Therefore, it has been classified as a Variant of Uncertain Significance. Advanced modeling of protein sequence and biophysical properties (such as structural, functional, and spatial information, amino acid conservation, physicochemical variation, residue mobility, and thermodynamic stability) performed at Invitae indicates that this missense variant is not expected to disrupt BRCA2 protein function. This sequence change replaces serine with threonine at codon 2052 of the BRCA2 protein (p.Ser2052Thr). The serine residue is moderately conserved and there is a small physicochemical difference between serine and threonine. This variant is not present in population databases (ExAC no frequency). This variant has not been reported in the literature in individuals with BRCA2-related conditions.